The following is an entry in ClinVar:

ClinVar aggregate classification (germline): Pathogenic/Likely pathogenic. Review status: criteria provided, multiple submitters, no conflicts (2 of 4 stars). 2 submissions from 2 submitters: Pathogenic (1); Likely pathogenic (1). Last evaluated 2024-05-06.

Conditions:
Familial infantile myasthenia (CMS6). Also called: MYASTHENIC SYNDROME, CONGENITAL, 6, PRESYNAPTIC; MYASTHENIC SYNDROME, PRESYNAPTIC, CONGENITAL, ASSOCIATED WITH EPISODIC APNEA; Congenital myasthenic syndrome type 6. Identifiers: Orphanet 590, MedGen C0393929, MONDO:0009689, OMIM 254210.

Submissions (2):

Fulgent Genetics
Classification: Likely pathogenic for Familial infantile myasthenia. Last evaluated: 2024-05-06. Review status: criteria provided, single submitter. Criteria: ACMG Guidelines, 2015. Collection method: clinical testing. Allele origin: germline.

Labcorp Genetics (formerly Invitae), Labcorp
Classification: Pathogenic for Familial infantile myasthenia. Last evaluated: 2024-02-14. Review status: criteria provided, single submitter. Criteria: Invitae Variant Classification Sherloc (09022015). Collection method: clinical testing. Allele origin: germline.
Comment: This sequence change creates a premature translational stop signal (p.Ala593Serfs*3) in the CHAT gene. It is expected to result in an absent or disrupted protein product. Loss-of-function variants in CHAT are known to be pathogenic (PMID: 12548525, 21786365, 23292760). This variant is not present in population databases (gnomAD no frequency). This variant has not been reported in the literature in individuals affected with CHAT-related conditions. For these reasons, this variant has been classified as Pathogenic.

Literature cited by the submitters: PubMed 12548525 (cited by Labcorp Genetics (formerly Invitae), Labcorp); PubMed 21786365 (cited by Labcorp Genetics (formerly Invitae), Labcorp); PubMed 23292760 (cited by Labcorp Genetics (formerly Invitae), Labcorp).

NM_020549.5(CHAT):c.1775dup (p.Ala593fs)

Gene: CHAT (choline O-acetyltransferase; plus strand). Cytogenetic location: 10q11.23.
Variant type: Duplication.
Coding change: c.1775dup on transcript NM_020549.5 (MANE Select); coding-DNA position 1775, one base duplicated (C; older notation c.1775dupC).
Protein change: p.Ala593fs; shifts the reading frame from alanine 593.
Molecular consequence: frameshift variant.
Genome position (GRCh38, 1-based): chr10:49,655,235, C duplicated; the last of 2 consecutive C bases (chr10:49,655,234-49,655,235); duplicating either gives the same sequence. VCF-style (leftmost placement, unchanged base first): chr10-49655233-G-GC. GRCh37 (hg19) VCF-style: chr10-50863279-G-GC.
Other names: c.1421dup, p.Ala475fs (NM_001142929.2, NM_001142934.2, NM_020984.4 and 2 more transcripts); c.1529dup, p.Ala511fs (NM_001142933.2); short protein forms A593fs, A475fs, A511fs.
Identifiers: ClinVar variation 3595528 (VCV003595528.3).